The following is an entry in ClinVar:

NM_004415.4(DSP):c.8458T>C (p.Ser2820Pro)

Gene: DSP (desmoplakin; plus strand). Cytogenetic location: 6p24.3.
Variant type: single nucleotide variant.
Coding change: c.8458T>C on transcript NM_004415.4 (MANE Select); coding-DNA position 8458, T replaced by C.
Protein change: p.Ser2820Pro; replaces serine 2820 with proline.
Molecular consequence: missense variant.
Genome position (GRCh38, 1-based): chr6:7,585,720, T>C. VCF-style: chr6-7585720-T-C. GRCh37 (hg19) VCF-style: chr6-7585953-T-C.
Other names: c.6661T>C, p.Ser2221Pro (NM_001008844.3); c.7129T>C, p.Ser2377Pro (NM_001319034.2); short protein forms S2221P, S2377P, S2820P.
Identifiers: ClinVar variation 3386738 (VCV003386738.1).

ClinVar aggregate classification (germline): Uncertain significance (1 of 4 stars; one submission).

Conditions:
Arrhythmogenic cardiomyopathy with wooly hair and keratoderma. Also called: Carvajal syndrome; PALMOPLANTAR KERATODERMA WITH LEFT VENTRICULAR CARDIOMYOPATHY AND WOOLLY HAIR; Dilated cardiomyopathy with woolly hair and keratoderma; Arrhythmogenic cardiomyopathy with woolly hair and keratoderma. Identifiers: Orphanet 65282, MedGen C1854063, MONDO:0011581, OMIM 605676.

Submission:

All of Us Research Program, National Institutes of Health
Classification: Uncertain significance for Arrhythmogenic cardiomyopathy with wooly hair and keratoderma. Last evaluated: 2024-09-23. Review status: criteria provided, single submitter. Criteria: ACMG Guidelines, 2015. Collection method: clinical testing. Allele origin: germline. Inheritance: Autosomal dominant inheritance. Observed: 1 variant allele, 1 heterozygote.
Comment: This study involves interpretation of variants in research participants for the purpose of population health screening. Participant phenotype was not available at the time of variant classification. Additional details can be found in publication PMID: 35346344, PMCID: PMC8962531